The following is an entry in ClinVar:

NM_212482.4(FN1):c.2707C>T (p.Arg903Cys)

Gene: FN1 (fibronectin 1; minus strand). Cytogenetic location: 2q35.
Variant type: single nucleotide variant.
Coding change: c.2707C>T on transcript NM_212482.4 (MANE Select); coding-DNA position 2707, C replaced by T.
Protein change: p.Arg903Cys; replaces arginine 903 with cysteine.
Molecular consequence: missense variant.
Genome position (GRCh38, 1-based): chr2:215,407,133, G>A on the plus strand (C>T on the coding strand, the complement: FN1 is on the minus strand). VCF-style: chr2-215407133-G-A. GRCh37 (hg19) VCF-style: chr2-216271856-G-A.
Other names: c.2707C>T, p.Arg903Cys (NM_001306129.2, NM_001306130.2, NM_001306131.2 and 13 more transcripts); short protein forms R903C.
Identifiers: ClinVar variation 4778472 (VCV004778472.1).

ClinVar aggregate classification (germline): Uncertain significance (1 of 4 stars; one submission).

gnomAD v4.1: 6 of 1,613,064 alleles (0.00037%); highest among the groups gnomAD compares: East Asian, 0.0022%; no homozygotes.

Submission:

Labcorp Genetics (formerly Invitae), Labcorp
Classification: Uncertain significance. Last evaluated: 2025-07-24. Review status: criteria provided, single submitter. Criteria: Invitae Variant Classification Sherloc (09022015). Collection method: clinical testing. Allele origin: germline.
Comment: This sequence change replaces arginine, which is basic and polar, with cysteine, which is neutral and slightly polar, at codon 903 of the FN1 protein (p.Arg903Cys). This variant is not present in population databases (gnomAD no frequency). This variant has not been reported in the literature in individuals affected with FN1-related conditions. An algorithm developed to predict the effect of missense changes on protein structure and function (PolyPhen-2) suggests that this variant is likely to be disruptive. In summary, the available evidence is currently insufficient to determine the role of this variant in disease. Therefore, it has been classified as a Variant of Uncertain Significance.